The following is an entry in ClinVar:

ClinVar aggregate classification (germline): Uncertain significance. Review status: criteria provided, multiple submitters, no conflicts (2 of 4 stars). 2 submissions from 2 submitters: Uncertain significance (2). Last evaluated 2025-01-30.

Conditions:
Early-onset Lafora body disease. Also called: Epilepsy, progressive myoclonic, 10. Identifiers: Orphanet 324290, MedGen C4225258, MONDO:0014717, OMIM 616640.

Allele frequency attached by ClinVar (database versions not stated): TOPMed 0.00002; gnomAD 0.00003.
gnomAD v4.1: 25 of 1,229,260 alleles (0.002%); highest among the groups gnomAD compares: African/African-American, 0.0032%; no homozygotes.

Submissions (2):

Ambry Genetics
Classification: Uncertain significance. Last evaluated: 2025-01-30. Review status: criteria provided, single submitter. Criteria: Ambry Variant Classification Scheme 2023. Collection method: clinical testing. Allele origin: germline.

Labcorp Genetics (formerly Invitae), Labcorp
Classification: Uncertain significance for Early-onset Lafora body disease. Last evaluated: 2022-01-11. Review status: criteria provided, single submitter. Criteria: Invitae Variant Classification Sherloc (09022015). Collection method: clinical testing. Allele origin: germline.
Comment: This sequence change replaces serine, which is neutral and polar, with arginine, which is basic and polar, at codon 458 of the PRDM8 protein (p.Ser458Arg). This variant is not present in population databases (gnomAD no frequency). This variant has not been reported in the literature in individuals affected with PRDM8-related conditions. ClinVar contains an entry for this variant (Variation ID: 1020403). Algorithms developed to predict the effect of missense changes on protein structure and function are either unavailable or do not agree on the potential impact of this missense change (SIFT: "Deleterious"; PolyPhen-2: "Possibly Damaging"; Align-GVGD: "Class C0"). In summary, the available evidence is currently insufficient to determine the role of this variant in disease. Therefore, it has been classified as a Variant of Uncertain Significance.

NM_001099403.2(PRDM8):c.1374C>A (p.Ser458Arg)

Gene: PRDM8 (PR/SET domain 8; plus strand). Cytogenetic location: 4q21.21.
Variant type: single nucleotide variant.
Coding change: c.1374C>A on transcript NM_001099403.2 (MANE Select); coding-DNA position 1374, C replaced by A.
Protein change: p.Ser458Arg; replaces serine 458 with arginine.
Molecular consequence: missense variant.
Genome position (GRCh38, 1-based): chr4:80,202,836, C>A. VCF-style: chr4-80202836-C-A. GRCh37 (hg19) VCF-style: chr4-81123990-C-A.
Other names: c.1374C>A, p.Ser458Arg (NM_020226.4); c.1374C>A (NM_020226.3); short protein forms S458R.
Identifiers: ClinVar variation 1020403 (VCV001020403.7), dbSNP rs1271340866, ClinGen allele CA357400472.